The following is an entry in ClinVar:

ClinVar aggregate classification (germline): Uncertain significance. Review status: criteria provided, multiple submitters, no conflicts (2 of 4 stars). 2 submissions from 2 submitters: Uncertain significance (2). Last evaluated 2022-10-13.

Conditions:
Inborn genetic diseases. Identifiers: MedGen C0950123, MeSH D030342.

Allele frequency attached by ClinVar (database versions not stated): gnomAD 0.00001; gnomAD exomes 0.00001.
gnomAD v4.1: 17 of 1,546,708 alleles (0.0011%); highest among the groups gnomAD compares: South Asian, 0.0024%; no homozygotes.

Submissions (2):

Labcorp Genetics (formerly Invitae), Labcorp
Classification: Uncertain significance. Last evaluated: 2022-10-13. Review status: criteria provided, single submitter. Criteria: Invitae Variant Classification Sherloc (09022015). Collection method: clinical testing. Allele origin: germline.
Comment: This sequence change replaces arginine, which is basic and polar, with histidine, which is basic and polar, at codon 96 of the TCIRG1 protein (p.Arg96His). The frequency data for this variant in the population databases is considered unreliable, as metrics indicate poor data quality at this position in the gnomAD database. This variant has not been reported in the literature in individuals affected with TCIRG1-related conditions. ClinVar contains an entry for this variant (Variation ID: 1371764). Advanced modeling of protein sequence and biophysical properties (such as structural, functional, and spatial information, amino acid conservation, physicochemical variation, residue mobility, and thermodynamic stability) performed at Invitae indicates that this missense variant is not expected to disrupt TCIRG1 protein function. In summary, the available evidence is currently insufficient to determine the role of this variant in disease. Therefore, it has been classified as a Variant of Uncertain Significance.

Ambry Genetics
Classification: Uncertain significance for Inborn genetic diseases. Last evaluated: 2021-12-06. Review status: criteria provided, single submitter. Criteria: Ambry Variant Classification Scheme 2023. Collection method: clinical testing. Allele origin: germline.

NM_006019.4(TCIRG1):c.287G>A (p.Arg96His)

Gene: TCIRG1 (T cell immune regulator 1, ATPase H+ transporting V0 subunit a3; plus strand). Cytogenetic location: 11q13.2.
Variant type: single nucleotide variant.
Coding change: c.287G>A on transcript NM_006019.4 (MANE Select); coding-DNA position 287, G replaced by A.
Protein change: p.Arg96His; replaces arginine 96 with histidine.
Molecular consequence: missense variant. On other transcripts: 5 prime UTR variant (1).
Genome position (GRCh38, 1-based): chr11:68,042,733, G>A. VCF-style: chr11-68042733-G-A. GRCh37 (hg19) VCF-style: chr11-67810200-G-A.
Other names: c.-963G>A (NM_001351059.2); c.287G>A (NM_006019.3); short protein forms R96H.
Identifiers: ClinVar variation 1371764 (VCV001371764.6), dbSNP rs1319738175, ClinGen allele CA381575736.
Genomic context (GRCh38, chr11:68,042,733, plus strand): 5'-GGCTGGTCCTGCCCCCGCCAAAGGGGAGGCTGCCGGCACCCCCACCCCGGGACCTGCTGC[G>A]CATCCAGGAGGAGACGGAGCGCCTGGCCCAGGAGCTGCGGGATGTGCGGGGCAACCAGCA-3'
Protein context (NP_006010.2, residues 86-106): LPAPPPRDLL[Arg96His]IQEETERLAQ